The following is an entry in ClinVar:

NM_147127.5(EVC2):c.2484G>A (p.Trp828Ter)

Gene: EVC2 (EvC ciliary complex subunit 2; minus strand). Cytogenetic location: 4p16.2.
Variant type: single nucleotide variant.
Coding change: c.2484G>A on transcript NM_147127.5 (MANE Select); coding-DNA position 2484, G replaced by A.
Protein change: p.Trp828Ter; replaces tryptophan 828 with a stop codon.
Molecular consequence: nonsense.
Genome position (GRCh38, 1-based): chr4:5,622,554, C>T on the plus strand (G>A on the coding strand, the complement: EVC2 is on the minus strand). VCF-style: chr4-5622554-C-T. GRCh37 (hg19) VCF-style: chr4-5624281-C-T.
Other names: c.2244G>A, p.Trp748Ter (NM_001166136.2); short protein forms W828*, W748*.
Identifiers: ClinVar variation 553315 (VCV000553315.14), dbSNP rs770918273, ClinGen allele CA2834712.

ClinVar aggregate classification (germline): Pathogenic. Review status: criteria provided, multiple submitters, no conflicts (2 of 4 stars). 4 submissions from 4 submitters: Pathogenic (3). 1 of the submissions does not count toward it. Last evaluated 2025-12-17.

Conditions:
Ellis-van Creveld syndrome (EVC). Also called: Chondroectodermal dysplasia; MESOECTODERMAL DYSPLASIA. Identifiers: Orphanet 289, MedGen C0013903, MONDO:0009162, OMIM 225500.
Curry-Hall syndrome (WAD). Also called: WEYERS ACRODENTAL DYSOSTOSIS. Identifiers: Orphanet 952, MedGen C0457013, MONDO:0008673, OMIM 193530.

Allele frequency attached by ClinVar (database versions not stated): TOPMed 0.00001; gnomAD exomes 0.00002 and 0.00001; ExAC 0.00002; gnomAD 0.00001.
gnomAD v4.1: 5 of 1,613,732 alleles (0.00031%); highest among the groups gnomAD compares: East Asian, 0.011%; no homozygotes.

Submissions (4):

Labcorp Genetics (formerly Invitae), Labcorp
Classification: Pathogenic for Curry-Hall syndrome; Ellis-van Creveld syndrome. Last evaluated: 2025-12-17. Review status: criteria provided, single submitter. Criteria: Invitae Variant Classification Sherloc (09022015). Collection method: clinical testing. Allele origin: germline.
Comment: This sequence change creates a premature translational stop signal (p.Trp828*) in the EVC2 gene. It is expected to result in an absent or disrupted protein product. Loss-of-function variants in EVC2 are known to be pathogenic (PMID: 17024374, 19810119, 19876929). The frequency data for this variant in the population databases is considered unreliable, as metrics indicate poor data quality at this position in the gnomAD database. This premature translational stop signal has been observed in individual(s) with Ellis–van Creveld syndrome (PMID: 23026208). ClinVar contains an entry for this variant (Variation ID: 553315). For these reasons, this variant has been classified as Pathogenic.

3billion
Classification: Pathogenic for Ellis-van Creveld syndrome. Last evaluated: 2025-05-29. Review status: criteria provided, single submitter. Criteria: ACMG Guidelines, 2015. Collection method: clinical testing. Allele origin: germline. Affected: yes.
Comment: The variant is observed at an extremely low frequency in the gnomAD v4.1.0 dataset (total allele frequency: <0.001%). Predicted Consequence/Location: Stop-gained (nonsense): predicted to result in a loss or disruption of normal protein function through nonsense-mediated decay (NMD) or protein truncation. Multiple pathogenic variants are reported downstream of the variant. The variant has been reported at least twice as pathogenic with clinical assertions and evidence for the classification (ClinVar ID: VCV000553315 /PMID: 23026208 /3billion dataset). Therefore, this variant is classified as Pathogenic according to the recommendation of ACMG/AMP guideline.

Fulgent Genetics
Classification: Pathogenic for Curry-Hall syndrome; Ellis-van Creveld syndrome. Last evaluated: 2024-03-06. Review status: criteria provided, single submitter. Criteria: ACMG Guidelines, 2015. Collection method: clinical testing. Allele origin: germline.

Counsyl
Classification: Likely pathogenic for Ellis-van Creveld syndrome. Last evaluated: 2017-08-15. Review status: no assertion criteria provided. Collection method: clinical testing. Allele origin: unknown. Not counted in ClinVar's aggregate classification.

Literature cited by the submitters: PubMed 17024374 (cited by Labcorp Genetics (formerly Invitae), Labcorp); PubMed 19810119 (cited by Labcorp Genetics (formerly Invitae), Labcorp); PubMed 19876929 (cited by Labcorp Genetics (formerly Invitae), Labcorp); PubMed 23026208 (cited by 3 submitters).